The following is an entry in ClinVar:

ClinVar aggregate classification (germline): Uncertain significance (1 of 4 stars; one submission).

gnomAD v4.1: 2 of 1,614,108 alleles (0.00012%); highest among the groups gnomAD compares: East Asian, 0.0045%; no homozygotes.

Submission:

Labcorp Genetics (formerly Invitae), Labcorp
Classification: Uncertain significance. Last evaluated: 2025-08-26. Review status: criteria provided, single submitter. Criteria: Invitae Variant Classification Sherloc (09022015). Collection method: clinical testing. Allele origin: germline.
Comment: This sequence change replaces serine, which is neutral and polar, with glycine, which is neutral and non-polar, at codon 413 of the MAP3K8 protein (p.Ser413Gly). This variant is present in population databases (rs767775264, gnomAD 0.02%). This variant has not been reported in the literature in individuals affected with MAP3K8-related conditions. An algorithm developed to predict the effect of missense changes on protein structure and function (PolyPhen-2) suggests that this variant is likely to be tolerated. Algorithms developed to predict the effect of sequence changes on RNA splicing suggest that this variant may create or strengthen a splice site. In summary, the available evidence is currently insufficient to determine the role of this variant in disease. Therefore, it has been classified as a Variant of Uncertain Significance.

NM_005204.4(MAP3K8):c.1237A>G (p.Ser413Gly)

Gene: MAP3K8 (mitogen-activated protein kinase kinase kinase 8; plus strand). Cytogenetic location: 10p11.23.
Variant type: single nucleotide variant.
Coding change: c.1237A>G on transcript NM_005204.4 (MANE Select); coding-DNA position 1237, A replaced by G.
Protein change: p.Ser413Gly; replaces serine 413 with glycine.
Molecular consequence: missense variant.
Genome position (GRCh38, 1-based): chr10:30,459,465, A>G. VCF-style: chr10-30459465-A-G. GRCh37 (hg19) VCF-style: chr10-30748394-A-G.
Other names: c.1237A>G, p.Ser413Gly (NM_001244134.1, NM_001320961.2); short protein forms S413G.
Identifiers: ClinVar variation 4765618 (VCV004765618.1).